The following is an entry in ClinVar:

ClinVar aggregate classification (germline): Uncertain significance (1 of 4 stars; one submission).

Submission:

Labcorp Genetics (formerly Invitae), Labcorp
Classification: Uncertain significance. Last evaluated: 2022-06-20. Review status: criteria provided, single submitter. Criteria: Invitae Variant Classification Sherloc (09022015). Collection method: clinical testing. Allele origin: germline.
Comment: In summary, the available evidence is currently insufficient to determine the role of this variant in disease. Therefore, it has been classified as a Variant of Uncertain Significance. Algorithms developed to predict the effect of missense changes on protein structure and function (SIFT, PolyPhen-2, Align-GVGD) all suggest that this variant is likely to be tolerated. This variant has not been reported in the literature in individuals affected with IFT74-related conditions. This variant is not present in population databases (gnomAD no frequency). This sequence change replaces glutamic acid, which is acidic and polar, with alanine, which is neutral and non-polar, at codon 482 of the IFT74 protein (p.Glu482Ala).

NM_025103.4(IFT74):c.1445A>C (p.Glu482Ala)

Gene: IFT74 (intraflagellar transport 74; plus strand). Cytogenetic location: 9p21.2.
Variant type: single nucleotide variant.
Coding change: c.1445A>C on transcript NM_025103.4 (MANE Select); coding-DNA position 1445, A replaced by C.
Protein change: p.Glu482Ala; replaces glutamic acid 482 with alanine.
Molecular consequence: missense variant.
Genome position (GRCh38, 1-based): chr9:27,055,720, A>C. VCF-style: chr9-27055720-A-C. GRCh37 (hg19) VCF-style: chr9-27055718-A-C.
Other names: c.1445A>C, p.Glu482Ala (NM_001099222.3, NM_001099223.3, NM_001349928.2); short protein forms E482A.
Identifiers: ClinVar variation 2008749 (VCV002008749.4), dbSNP rs899040450, ClinGen allele CA373128264.
Genomic context (GRCh38, chr9:27,055,720, plus strand): 5'-AGATGACTGAAGAACAGCATTCTCTAAAAAGCAAAATTAAGCAAATGACAACTGATCTGG[A>C]GATATATAATGATTTGCCAGCTTTAAAATCATCAGGTGAAGAAAAGATAAAGGTAAATGT-3'
Protein context (NP_079379.2, residues 472-492): SKIKQMTTDL[Glu482Ala]IYNDLPALKS